The following is an entry in ClinVar:

ClinVar aggregate classification (germline): Uncertain significance (1 of 4 stars; one submission).

gnomAD v4.1: 1 of 1,614,184 alleles (0.000062%); highest among the groups gnomAD compares: Non-Finnish European, 0.000085%; no homozygotes.

Submission:

Labcorp Genetics (formerly Invitae), Labcorp
Classification: Uncertain significance. Last evaluated: 2022-08-31. Review status: criteria provided, single submitter. Criteria: Invitae Variant Classification Sherloc (09022015). Collection method: clinical testing. Allele origin: germline.
Comment: This variant is not present in population databases (gnomAD no frequency). This sequence change replaces leucine, which is neutral and non-polar, with valine, which is neutral and non-polar, at codon 729 of the ADAMTS18 protein (p.Leu729Val). This variant has not been reported in the literature in individuals affected with ADAMTS18-related conditions. In summary, the available evidence is currently insufficient to determine the role of this variant in disease. Therefore, it has been classified as a Variant of Uncertain Significance. Algorithms developed to predict the effect of missense changes on protein structure and function are either unavailable or do not agree on the potential impact of this missense change (SIFT: "Not Available"; PolyPhen-2: "Possibly Damaging"; Align-GVGD: "Not Available"). ClinVar contains an entry for this variant (Variation ID: 1366093).

NM_199355.4(ADAMTS18):c.2185C>G (p.Leu729Val)

Gene: ADAMTS18 (ADAM metallopeptidase with thrombospondin type 1 motif 18; minus strand). Cytogenetic location: 16q23.1.
Variant type: single nucleotide variant.
Coding change: c.2185C>G on transcript NM_199355.4 (MANE Select); coding-DNA position 2185, C replaced by G.
Protein change: p.Leu729Val; replaces leucine 729 with valine.
Molecular consequence: missense variant.
Genome position (GRCh38, 1-based): chr16:77,321,181, G>C on the plus strand (C>G on the coding strand, the complement: ADAMTS18 is on the minus strand). VCF-style: chr16-77321181-G-C. GRCh37 (hg19) VCF-style: chr16-77355078-G-C.
Other names: c.1669C>G, p.Leu557Val (NM_001326358.2); short protein forms L557V, L729V.
Identifiers: ClinVar variation 1366093 (VCV001366093.8), dbSNP rs2144640256, ClinGen allele CA396828370.